The following is an entry in ClinVar:

NM_000166.6(GJB1):c.77C>G (p.Ser26Trp)

Gene: GJB1 (gap junction protein beta 1; plus strand). Cytogenetic location: Xq13.1.
Variant type: single nucleotide variant.
Coding change: c.77C>G on transcript NM_000166.6 (MANE Select); coding-DNA position 77, C replaced by G.
Protein change: p.Ser26Trp; replaces serine 26 with tryptophan.
Molecular consequence: missense variant.
Genome position (GRCh38, 1-based): chrX:71,223,784, C>G. VCF-style: chrX-71223784-C-G. GRCh37 (hg19) VCF-style: chrX-70443634-C-G.
Other names: c.77C>G, p.Ser26Trp (NM_001097642.3); short protein forms S26W.
Identifiers: ClinVar variation 477604 (VCV000477604.12), dbSNP rs587777876, ClinGen allele CA413500799.

ClinVar aggregate classification (germline): Pathogenic. Review status: criteria provided, single submitter (1 of 4 stars). 2 submissions from 2 submitters: Pathogenic (1). 1 of the submissions does not count toward it. Last evaluated 2019-10-11.

Conditions:
Charcot-Marie-Tooth Neuropathy X. Identifiers: MedGen CN118851.
Charcot-Marie-Tooth disease. Also called: Charcot-Marie-Tooth Neuropathy; Charcot-Marie-Tooth Hereditary Neuropathy. Identifiers: Orphanet 166, MedGen C0007959, MONDO:0015626.

Submissions (2):

Labcorp Genetics (formerly Invitae), Labcorp
Classification: Pathogenic for Charcot-Marie-Tooth Neuropathy X. Last evaluated: 2019-10-11. Review status: criteria provided, single submitter. Criteria: Invitae Variant Classification Sherloc (09022015). Collection method: clinical testing. Allele origin: germline.
Comment: This variant is not present in population databases (ExAC no frequency). For these reasons, this variant has been classified as Pathogenic. A different missense substitution at this codon (p.Ser26Leu) has been determined to be pathogenic (PMID: 8990008, 25429913, 9354338, 25802885). This suggests that the serine residue is critical for GJB1 protein function and that other missense substitutions at this position may also be pathogenic. Experimental studies have shown that this missense change alters channel gating but does not significantly alter channel conductance (PMID: 25969535). This variant has been reported to segregate with X-linked Charcot-Marie-Tooth disease in 4 related families and is considered a founder mutation in French-Canadian population (PMID: 11252295). This variant has also been reported in an individual affected with severe Charcot-Marie-Tooth disease (PMID: 11437164). This sequence change replaces serine with tryptophan at codon 26 of the GJB1 protein (p.Ser26Trp). The serine residue is highly conserved and there is a large physicochemical difference between serine and tryptophan.

Inherited Neuropathy Consortium
Classification: Uncertain significance for Charcot-Marie-Tooth disease. Review status: no assertion criteria provided. Collection method: literature only. Allele origin: germline. Affected: yes. Not counted in ClinVar's aggregate classification.

Literature cited by the submitters: PubMed 8990008 (cited by Labcorp Genetics (formerly Invitae), Labcorp); PubMed 25429913 (cited by Labcorp Genetics (formerly Invitae), Labcorp); PubMed 9354338 (cited by Labcorp Genetics (formerly Invitae), Labcorp); PubMed 25802885 (cited by Labcorp Genetics (formerly Invitae), Labcorp); PubMed 25969535 (cited by Labcorp Genetics (formerly Invitae), Labcorp); PubMed 11252295 (cited by Labcorp Genetics (formerly Invitae), Labcorp); PubMed 11437164 (cited by Labcorp Genetics (formerly Invitae), Labcorp and Inherited Neuropathy Consortium).